The following is an entry in ClinVar:

NM_182914.3(SYNE2):c.8030A>G (p.His2677Arg)

Gene: SYNE2 (spectrin repeat containing nuclear envelope protein 2; plus strand). Cytogenetic location: 14q23.2.
Variant type: single nucleotide variant.
Coding change: c.8030A>G on transcript NM_182914.3 (MANE Select); coding-DNA position 8030, A replaced by G.
Protein change: p.His2677Arg; replaces histidine 2677 with arginine.
Molecular consequence: missense variant.
Genome position (GRCh38, 1-based): chr14:64,051,943, A>G. VCF-style: chr14-64051943-A-G. GRCh37 (hg19) VCF-style: chr14-64518661-A-G.
Other names: c.8030A>G (NM_182914.2); c.8030A>G, p.His2677Arg (NM_015180.6); short protein forms H2677R.
Identifiers: ClinVar variation 1498878 (VCV001498878.9), dbSNP rs777764821, ClinGen allele CA7221052.

ClinVar aggregate classification (germline): Uncertain significance. Review status: criteria provided, multiple submitters, no conflicts (2 of 4 stars). 2 submissions from 2 submitters: Uncertain significance (2). Last evaluated 2024-12-02.

Conditions:
Emery-Dreifuss muscular dystrophy 5, autosomal dominant (EDMD5). Also called: EMERY-DREIFUSS MUSCULAR DYSTROPHY 5. Identifiers: Orphanet 261, MedGen C2751805, MONDO:0013072, OMIM 612999.

Allele frequency attached by ClinVar (database versions not stated): gnomAD exomes below 0.00001 and 0.00001; ExAC 0.00001; gnomAD 0.00001.
gnomAD v4.1: 5 of 1,613,796 alleles (0.00031%); highest among the groups gnomAD compares: Admixed American, 0.0017%; no homozygotes.

Submissions (2):

Ambry Genetics
Classification: Uncertain significance. Last evaluated: 2024-12-02. Review status: criteria provided, single submitter. Criteria: Ambry Variant Classification Scheme 2023. Collection method: clinical testing. Allele origin: germline.

Labcorp Genetics (formerly Invitae), Labcorp
Classification: Uncertain significance for Emery-Dreifuss muscular dystrophy 5, autosomal dominant. Last evaluated: 2022-06-01. Review status: criteria provided, single submitter. Criteria: Invitae Variant Classification Sherloc (09022015). Collection method: clinical testing. Allele origin: germline.
Comment: In summary, the available evidence is currently insufficient to determine the role of this variant in disease. Therefore, it has been classified as a Variant of Uncertain Significance. This sequence change replaces histidine, which is basic and polar, with arginine, which is basic and polar, at codon 2677 of the SYNE2 protein (p.His2677Arg). This variant is present in population databases (rs777764821, gnomAD 0.003%). This variant has not been reported in the literature in individuals affected with SYNE2-related conditions. ClinVar contains an entry for this variant (Variation ID: 1498878). Algorithms developed to predict the effect of missense changes on protein structure and function (SIFT, PolyPhen-2, Align-GVGD) all suggest that this variant is likely to be tolerated.